The following is an entry in ClinVar:

NM_001048174.2(MUTYH):c.761C>T (p.Ala254Val)

Gene: MUTYH (mutY DNA glycosylase; minus strand). Cytogenetic location: 1p34.1.
Variant type: single nucleotide variant.
Coding change: c.761C>T on transcript NM_001048174.2 (MANE Select); coding-DNA position 761, C replaced by T.
Protein change: p.Ala254Val; replaces alanine 254 with valine.
Molecular consequence: missense variant. On other transcripts: non-coding transcript variant (2).
Genome position (GRCh38, 1-based): chr1:45,332,254, G>A on the plus strand (C>T on the coding strand, the complement: MUTYH is on the minus strand). VCF-style: chr1-45332254-G-A. GRCh37 (hg19) VCF-style: chr1-45797926-G-A.
Other names: c.761C>T, p.Ala254Val (NM_001048171.2, NM_001048173.2, NM_001293195.2); c.764C>T, p.Ala255Val (NM_001048172.2); c.845C>T, p.Ala282Val (NM_001128425.2); c.806C>T, p.Ala269Val (NM_001293190.2); c.794C>T, p.Ala265Val (NM_001293191.2); c.485C>T, p.Ala162Val (NM_001293192.2, NM_001293196.2); c.416C>T, p.Ala139Val (NM_001350650.2, NM_001350651.2); c.836C>T, p.Ala279Val (NM_012222.3); short protein forms A282V, A268V, A139V, A162V, A254V, A269V, A255V, A279V.
Identifiers: ClinVar variation 142849 (VCV000142849.28), dbSNP rs587782764, ClinGen allele CA014460.

ClinVar aggregate classification (germline): Conflicting classifications of pathogenicity. Review status: criteria provided, conflicting classifications (1 of 4 stars). 9 submissions from 9 submitters: Uncertain significance (7); Likely benign (1). 1 of the submissions does not count toward it. Last evaluated 2025-10-22.

Conditions:
Familial adenomatous polyposis 2. Also called: FAP type 2; Adenomas, multiple colorectal; MUTYH Polyposis; MYH-associated polyposis; MUTYH-associated polyposis; MUTYH-related attenuated familial adenomatous polyposis. Identifiers: Orphanet 220460, Orphanet 247798, MedGen C3272841, MONDO:0012041, OMIM 608456.
Gastric cancer. Also called: Stomach cancer; Malignant tumor of stomach. Identifiers: MedGen C0024623, MeSH D013274, MONDO:0001056, OMIM 613659, HP:0012126.
Hereditary cancer-predisposing syndrome. Also called: Tumor predisposition; Neoplastic Syndromes, Hereditary; Hereditary Cancer Syndrome; Hereditary neoplastic syndrome. Identifiers: Orphanet 140162, MedGen C0027672, MeSH D009386, MONDO:0015356.

Allele frequency attached by ClinVar (database versions not stated): gnomAD exomes below 0.00001; gnomAD 0.00001; TOPMed 0.00002.
gnomAD v4.1: 2 of 1,613,910 alleles (0.00012%); highest among the groups gnomAD compares: Admixed American, 0.0017%; no homozygotes.

Submissions (9):

Labcorp Genetics (formerly Invitae), Labcorp
Classification: Uncertain significance for Familial adenomatous polyposis 2. Last evaluated: 2025-10-22. Review status: criteria provided, single submitter. Criteria: Invitae Variant Classification Sherloc (09022015). Collection method: clinical testing. Allele origin: germline.
Comment: This sequence change replaces alanine, which is neutral and non-polar, with valine, which is neutral and non-polar, at codon 282 of the MUTYH protein (p.Ala282Val). This variant is present in population databases (rs587782764, gnomAD 0.004%). This variant has not been reported in the literature in individuals affected with MUTYH-related conditions. ClinVar contains an entry for this variant (Variation ID: 142849). An algorithm developed to predict the effect of missense changes on protein structure and function (PolyPhen-2) suggests that this variant is likely to be tolerated. In summary, the available evidence is currently insufficient to determine the role of this variant in disease. Therefore, it has been classified as a Variant of Uncertain Significance.

Ambry Genetics
Classification: Likely benign for Hereditary cancer-predisposing syndrome. Last evaluated: 2025-09-09. Review status: criteria provided, single submitter. Criteria: Ambry Variant Classification Scheme 2023. Collection method: clinical testing. Allele origin: germline.

GeneDx
Classification: Uncertain significance. Last evaluated: 2024-11-13. Review status: criteria provided, single submitter. Criteria: GeneDx Variant Classification Process June 2021. Collection method: clinical testing. Allele origin: germline. Affected: yes.
Comment: Not observed at significant frequency in large population cohorts (gnomAD); In silico analysis indicates that this missense variant does not alter protein structure/function; Has not been previously published as pathogenic or benign to our knowledge; This variant is associated with the following publications: (PMID: 11092888, 11160897)

Baylor Genetics
Classification: Uncertain significance for Familial adenomatous polyposis 2. Last evaluated: 2024-03-27. Review status: criteria provided, single submitter. Criteria: ACMG Guidelines, 2015. Collection method: clinical testing. Allele origin: unknown.

Fulgent Genetics
Classification: Uncertain significance for Familial adenomatous polyposis 2; Gastric cancer. Last evaluated: 2024-01-22. Review status: criteria provided, single submitter. Criteria: ACMG Guidelines, 2015. Collection method: clinical testing. Allele origin: germline.

All of Us Research Program, National Institutes of Health
Classification: Uncertain significance for Familial adenomatous polyposis 2. Last evaluated: 2023-10-02. Review status: criteria provided, single submitter. Criteria: ACMG Guidelines, 2015. Collection method: clinical testing. Allele origin: germline. Inheritance: Autosomal recessive inheritance. Observed: 5 variant alleles, 5 heterozygotes.
Comment: This missense variant replaces alanine with valine at codon 282 of the MUTYH protein. This variant is also known as c.803C>T (p.Ala268Val) based on an alternative transcript (NM_001048171). Computational prediction suggests that this variant may not impact protein structure and function (internally defined REVEL score threshold <= 0.5, PMID: 27666373). Splice site prediction tools suggest that this variant may not impact RNA splicing. To our knowledge, functional studies have not been performed for this variant. This variant has not been reported in individuals affected with hereditary cancer in the literature. This variant has been identified in 2/282074 chromosomes in the general population by the Genome Aggregation Database (gnomAD). The available evidence is insufficient to determine the role of this variant in disease conclusively. Therefore, this variant is classified as a Variant of Uncertain Significance.

This study involves interpretation of variants in research participants for the purpose of population health screening. Participant phenotype was not available at the time of variant classification. Additional details can be found in publication PMID: 35346344, PMCID: PMC8962531

St. Jude Molecular Pathology, St. Jude Children's Research Hospital
Classification: Uncertain significance for Familial adenomatous polyposis 2. Last evaluated: 2023-04-20. Review status: criteria provided, single submitter. Criteria: St. Jude Assertion Criteria 2020. Collection method: clinical testing. Allele origin: germline.
Comment: The MUTYH c.845C>T (p.Ala282Val) missense change has a maximum subpopulation frequency of 0.004% in gnomAD v2.1.1. The in silico tool REVEL is inconclusive about a pathogenic or benign effect of this variant on protein function, and to our knowledge functional studies have not been performed. To our knowledge, this variant has not been reported in individuals with MUTYH-associated polyposis. In summary, the evidence currently available is insufficient to determine the clinical significance of this variant. It has therefore been classified as of uncertain significance.

Color Diagnostics, LLC DBA Color Health
Classification: Uncertain significance for Hereditary cancer-predisposing syndrome. Last evaluated: 2022-11-17. Review status: criteria provided, single submitter. Criteria: ACMG Guidelines, 2015. Collection method: clinical testing. Allele origin: germline.
Comment: This missense variant replaces alanine with valine at codon 282 of the MUTYH protein. This variant is also known as c.803C>T (p.Ala268Val) based on an alternative transcript (NM_001048171). Computational prediction suggests that this variant may not impact protein structure and function (internally defined REVEL score threshold <= 0.5, PMID: 27666373). To our knowledge, functional studies have not been reported for this variant. This variant has not been reported in individuals affected with MUTYH-related disorders in the literature. This variant has been identified in 2/282074 chromosomes in the general population by the Genome Aggregation Database (gnomAD). The available evidence is insufficient to determine the role of this variant in disease conclusively. Therefore, this variant is classified as a Variant of Uncertain Significance.

Counsyl
Classification: Uncertain significance for Familial adenomatous polyposis 2. Last evaluated: 2017-12-22. Review status: no assertion criteria provided. Collection method: clinical testing. Allele origin: unknown. Not counted in ClinVar's aggregate classification.

Literature cited by the submitters: PubMed 40738107 (cited by Ambry Genetics).